The following is an entry in ClinVar:

ClinVar aggregate classification (germline): Conflicting classifications of pathogenicity. Review status: criteria provided, conflicting classifications (1 of 4 stars). 3 submissions from 3 submitters: Uncertain significance (2); Likely benign (1). Last evaluated 2026-04-01.

Conditions:
Genitopatellar syndrome (GTPTS). Also called: Genitopatellar syndrome (GPS); ABSENT PATELLAE, SCROTAL HYPOPLASIA, RENAL ANOMALIES, FACIAL DYSMORPHISM, AND MENTAL RETARDATION. Identifiers: Orphanet 85201, MedGen C1853566, MONDO:0011640, OMIM 606170.

Allele frequency attached by ClinVar (database versions not stated): TOPMed 0.00002; gnomAD 0.00003; gnomAD exomes 0.00003.
gnomAD v4.1: 54 of 1,614,090 alleles (0.0033%); highest among the groups gnomAD compares: African/African-American, 0.008%; no homozygotes.

Submissions (3):

CeGaT Center for Human Genetics Tuebingen
Classification: Likely benign. Last evaluated: 2026-04-01. Review status: criteria provided, single submitter. Criteria: CeGaT Center For Human Genetics Tuebingen Variant Classification Criteria Version 2. Collection method: clinical testing. Allele origin: germline. Affected: yes. Observed: 1 variant allele.
Comment: KAT6B: BS2

Labcorp Genetics (formerly Invitae), Labcorp
Classification: Uncertain significance for Genitopatellar syndrome. Last evaluated: 2025-04-01. Review status: criteria provided, single submitter. Criteria: Invitae Variant Classification Sherloc (09022015). Collection method: clinical testing. Allele origin: germline.
Comment: This sequence change replaces glutamic acid, which is acidic and polar, with lysine, which is basic and polar, at codon 1786 of the KAT6B protein (p.Glu1786Lys). This variant is present in population databases (no rsID available, gnomAD 0.005%). This variant has not been reported in the literature in individuals affected with KAT6B-related conditions. ClinVar contains an entry for this variant (Variation ID: 2965577). An algorithm developed to predict the effect of missense changes on protein structure and function (PolyPhen-2) suggests that this variant is likely to be disruptive. In summary, the available evidence is currently insufficient to determine the role of this variant in disease. Therefore, it has been classified as a Variant of Uncertain Significance.

Genomic Medicine Center of Excellence, King Faisal Specialist Hospital and Research Centre
Classification: Uncertain significance for Genitopatellar syndrome. Last evaluated: 2024-03-29. Review status: criteria provided, single submitter. Criteria: ACMG Guidelines, 2015. Collection method: clinical testing. Allele origin: germline.

NM_012330.4(KAT6B):c.5356G>A (p.Glu1786Lys)

Gene: KAT6B (lysine acetyltransferase 6B; plus strand). Cytogenetic location: 10q22.2.
Variant type: single nucleotide variant.
Coding change: c.5356G>A on transcript NM_012330.4 (MANE Select); coding-DNA position 5356, G replaced by A.
Protein change: p.Glu1786Lys; replaces glutamic acid 1786 with lysine.
Molecular consequence: missense variant.
Genome position (GRCh38, 1-based): chr10:75,030,180, G>A. VCF-style: chr10-75030180-G-A. GRCh37 (hg19) VCF-style: chr10-76789938-G-A.
Other names: c.4318G>A, p.Glu1440Lys (NM_001370132.1); c.3667G>A, p.Glu1223Lys (NM_001370133.1); c.3271G>A, p.Glu1091Lys (NM_001370134.1); c.3013G>A, p.Glu1005Lys (NM_001370135.1); c.5356G>A, p.Glu1786Lys (NM_001370136.1, NM_001370137.1); c.4807G>A, p.Glu1603Lys (NM_001370138.1, NM_001256468.2); c.4480G>A, p.Glu1494Lys (NM_001370139.1, NM_001370140.1, NM_001370141.1 and 2 more transcripts); c.4291G>A, p.Glu1431Lys (NM_001370143.1, NM_001370144.1); short protein forms E1005K, E1440K, E1091K, E1223K, E1431K, E1494K, E1603K, E1786K.
Identifiers: ClinVar variation 2965577 (VCV002965577.6), dbSNP rs906740657, ClinGen allele CA209710557.